The following is an entry in ClinVar:

ClinVar aggregate classification (germline): Uncertain significance. Review status: criteria provided, multiple submitters, no conflicts (2 of 4 stars). 2 submissions from 2 submitters: Uncertain significance (2). Last evaluated 2026-09-10.

Conditions:
Inborn genetic diseases. Identifiers: MedGen C0950123, MeSH D030342.

Allele frequency attached by ClinVar (database versions not stated): TOPMed 0.00002; gnomAD 0.00001; gnomAD exomes 0.00005; ExAC 0.00002.
gnomAD v4.1: 71 of 1,613,962 alleles (0.0044%); highest among the groups gnomAD compares: Non-Finnish European, 0.0059%; no homozygotes.

Submissions (2):

Ambry Genetics
Classification: Uncertain significance for Inborn genetic diseases. Last evaluated: 2026-09-10. Review status: criteria provided, single submitter. Criteria: Ambry Variant Classification Scheme 2023. Collection method: clinical testing. Allele origin: germline.

Labcorp Genetics (formerly Invitae), Labcorp
Classification: Uncertain significance. Last evaluated: 2022-09-22. Review status: criteria provided, single submitter. Criteria: Invitae Variant Classification Sherloc (09022015). Collection method: clinical testing. Allele origin: germline.
Comment: This sequence change replaces valine, which is neutral and non-polar, with aspartic acid, which is acidic and polar, at codon 280 of the COL18A1 protein (p.Val280Asp). This variant is present in population databases (rs749089143, gnomAD 0.002%). This variant has not been reported in the literature in individuals affected with COL18A1-related conditions. Experimental studies and prediction algorithms are not available or were not evaluated, and the functional significance of this variant is currently unknown. In summary, the available evidence is currently insufficient to determine the role of this variant in disease. Therefore, it has been classified as a Variant of Uncertain Significance.

NM_001379500.1(COL18A1):c.839T>A (p.Val280Asp)

Gene: COL18A1 (collagen type XVIII alpha 1 chain; plus strand). Cytogenetic location: 21q22.3.
Variant type: single nucleotide variant.
Coding change: c.839T>A on transcript NM_001379500.1 (MANE Select); coding-DNA position 839, T replaced by A.
Protein change: p.Val280Asp; replaces valine 280 with aspartic acid.
Molecular consequence: missense variant.
Genome position (GRCh38, 1-based): chr21:45,476,391, T>A. VCF-style: chr21-45476391-T-A. GRCh37 (hg19) VCF-style: chr21-46896305-T-A.
Other names: NM_130445.2:c.839T>A; c.1379T>A, p.Val460Asp (NM_030582.4); c.2084T>A, p.Val695Asp (NM_130444.3); short protein forms V695D, V280D, V460D.
Identifiers: ClinVar variation 1931308 (VCV001931308.6), dbSNP rs749089143, ClinGen allele CA10065960.